The following is an entry in ClinVar:

NM_000048.4(ASL):c.291+2T>C

Gene: ASL (argininosuccinate lyase; plus strand). Cytogenetic location: 7q11.21.
Variant type: single nucleotide variant.
Coding change: c.291+2T>C on transcript NM_000048.4 (MANE Select); the canonical splice donor site of the intron after coding-DNA position 291, T replaced by C.
Molecular consequence: splice donor variant.
Genome position (GRCh38, 1-based): chr7:66,082,453, T>C. VCF-style: chr7-66082453-T-C. GRCh37 (hg19) VCF-style: chr7-65547440-T-C.
Other names: c.291+2T>C (NM_001024943.2, NM_001024944.2, NM_001024946.2).
Identifiers: ClinVar variation 2765538 (VCV002765538.3), dbSNP rs2484995844, ClinGen allele CA367639133.

ClinVar aggregate classification (germline): Likely pathogenic (1 of 4 stars; one submission).

Conditions:
Argininosuccinate lyase deficiency. Also called: ARGININOSUCCINIC ACID LYASE DEFICIENCY; ASL DEFICIENCY; Argininosuccinic aciduria. Identifiers: Orphanet 23, MedGen C0268547, MONDO:0008815, OMIM 207900, HP:0025630.

Submission:

Labcorp Genetics (formerly Invitae), Labcorp
Classification: Likely pathogenic for Argininosuccinate lyase deficiency. Last evaluated: 2023-10-04. Review status: criteria provided, single submitter. Criteria: Invitae Variant Classification Sherloc (09022015). Collection method: clinical testing. Allele origin: germline.
Comment: This sequence change affects a donor splice site in intron 4 of the ASL gene. It is expected to disrupt RNA splicing. Variants that disrupt the donor or acceptor splice site typically lead to a loss of protein function (PMID: 16199547), and loss-of-function variants in ASL are known to be pathogenic (PMID: 2263616, 24166829). This variant is not present in population databases (gnomAD no frequency). This variant has not been reported in the literature in individuals affected with ASL-related conditions. Algorithms developed to predict the effect of sequence changes on RNA splicing suggest that this variant may disrupt the consensus splice site. In summary, the currently available evidence indicates that the variant is pathogenic, but additional data are needed to prove that conclusively. Therefore, this variant has been classified as Likely Pathogenic.

Literature cited by the submitters: PubMed 16199547; PubMed 2263616; PubMed 24166829.